The following is an entry in ClinVar:

ClinVar aggregate classification (germline): Uncertain significance (1 of 4 stars; one submission).

Submission:

Ambry Genetics
Classification: Uncertain significance. Last evaluated: 2024-12-26. Review status: criteria provided, single submitter. Criteria: Ambry Variant Classification Scheme 2023. Collection method: clinical testing. Allele origin: germline.
Comment: The p.P713R variant (also known as c.2138C>G), located in coding exon 9 of the WNK2 gene, results from a C to G substitution at nucleotide position 2138. The proline at codon 713 is replaced by arginine, an amino acid with dissimilar properties. This amino acid position is conserved. In addition, this alteration is predicted to be tolerated by in silico analysis. Based on the available evidence, the clinical significance of this variant remains unclear.

NM_006648.4(WNK2):c.2138C>G (p.Pro713Arg)

Gene: WNK2 (WNK lysine deficient protein kinase 2; plus strand). Cytogenetic location: 9q22.31.
Variant type: single nucleotide variant.
Coding change: c.2138C>G on transcript NM_006648.4 (MANE Select); coding-DNA position 2138, C replaced by G.
Protein change: p.Pro713Arg; replaces proline 713 with arginine.
Molecular consequence: missense variant.
Genome position (GRCh38, 1-based): chr9:93,256,402, C>G. VCF-style: chr9-93256402-C-G. GRCh37 (hg19) VCF-style: chr9-96018684-C-G.
Other names: c.2138C>G, p.Pro713Arg (NM_001282394.3); short protein forms P713R.
Identifiers: ClinVar variation 3816635 (VCV003816635.1).